The following is an entry in ClinVar:

ClinVar aggregate classification (germline): Uncertain significance (1 of 4 stars; one submission).

Submission:

Labcorp Genetics (formerly Invitae), Labcorp
Classification: Uncertain significance. Last evaluated: 2021-04-29. Review status: criteria provided, single submitter. Criteria: Invitae Variant Classification Sherloc (09022015). Collection method: clinical testing. Allele origin: germline.
Comment: In summary, the available evidence is currently insufficient to determine the role of this variant in disease. Therefore, it has been classified as a Variant of Uncertain Significance. Algorithms developed to predict the effect of missense changes on protein structure and function (SIFT, PolyPhen-2, Align-GVGD) all suggest that this variant is likely to be tolerated, but these predictions have not been confirmed by published functional studies and their clinical significance is uncertain. This variant has not been reported in the literature in individuals with LIFR-related conditions. This variant is not present in population databases (ExAC no frequency). This sequence change replaces glutamine with glutamic acid at codon 793 of the LIFR protein (p.Gln793Glu). The glutamine residue is moderately conserved and there is a small physicochemical difference between glutamine and glutamic acid.

NM_001127671.2(LIFR):c.2377C>G (p.Gln793Glu)

Gene: LIFR (LIF receptor subunit alpha; minus strand). Cytogenetic location: 5p13.1.
Variant type: single nucleotide variant.
Coding change: c.2377C>G on transcript NM_001127671.2 (MANE Select); coding-DNA position 2377, C replaced by G.
Protein change: p.Gln793Glu; replaces glutamine 793 with glutamic acid.
Molecular consequence: missense variant.
Genome position (GRCh38, 1-based): chr5:38,485,939, G>C on the plus strand (C>G on the coding strand, the complement: LIFR is on the minus strand). VCF-style: chr5-38485939-G-C. GRCh37 (hg19) VCF-style: chr5-38486041-G-C.
Other names: c.2377C>G, p.Gln793Glu (NM_001364297.2, NM_001364298.2, NM_002310.6); short protein forms Q793E.
Identifiers: ClinVar variation 1350149 (VCV001350149.8), dbSNP rs2112377617, ClinGen allele CA359536300.